The following is an entry in ClinVar:

NM_170707.4(LMNA):c.1901G>T (p.Gly634Val)

Gene: LMNA (lamin A/C; plus strand). Cytogenetic location: 1q22.
Variant type: single nucleotide variant.
Coding change: c.1901G>T on transcript NM_170707.4 (MANE Select); coding-DNA position 1901, G replaced by T.
Protein change: p.Gly634Val; replaces glycine 634 with valine.
Molecular consequence: missense variant. On other transcripts: intron variant (1).
Genome position (GRCh38, 1-based): chr1:156,138,690, G>T. VCF-style: chr1-156138690-G-T. GRCh37 (hg19) VCF-style: chr1-156108481-G-T.
Other names: c.1565G>T, p.Gly522Val (NM_001257374.3); c.1811G>T, p.Gly604Val (NM_170708.4); c.1818+83G>T (NM_001282626.2); short protein forms G604V, G634V, G522V.
Identifiers: ClinVar variation 594906 (VCV000594906.10), dbSNP rs1470825986, ClinGen allele CA342827768.

ClinVar aggregate classification (germline): Uncertain significance. Review status: criteria provided, multiple submitters, no conflicts (2 of 4 stars). 4 submissions from 4 submitters: Uncertain significance (4). Last evaluated 2025-09-05.

Conditions:
Charcot-Marie-Tooth disease type 2. Also called: Charcot-Marie-Tooth type 2. Identifiers: Orphanet 64746, MedGen C0270914, MONDO:0018993.
Cardiomyopathy (CMYO). Also called: Cardiomyopathies. Identifiers: Orphanet 167848, MedGen C0878544, MONDO:0004994, HP:0001638. Inheritance: Various modes of inheritance.
Primary dilated cardiomyopathy (DCM). Also called: Dilated Cardiomyopathy. Identifiers: Orphanet 217604, MedGen C0007193, MeSH D002311, MONDO:0005021, HP:0001644. Inheritance: Various modes of inheritance.

gnomAD v4.1: 11 of 1,613,702 alleles (0.00068%); highest among the groups gnomAD compares: Non-Finnish European, 0.00093%; no homozygotes.

Submissions (4):

Color Diagnostics, LLC DBA Color Health
Classification: Uncertain significance for Cardiomyopathy. Last evaluated: 2025-09-05. Review status: criteria provided, single submitter. Criteria: ACMG Guidelines, 2015. Collection method: clinical testing. Allele origin: germline.
Comment: This missense variant replaces glycine with valine at codon 634 of the LMNA protein. Computational prediction suggests that this variant may not impact protein structure and function. To our knowledge, functional studies have not been reported for this variant. This variant has not been reported in individuals affected with LMNA-related disorders in the literature. This variant has not been identified in the general population by the Genome Aggregation Database (gnomAD). The available evidence is insufficient to determine the role of this variant in disease conclusively. Therefore, this variant is classified as a Variant of Uncertain Significance.

Labcorp Genetics (formerly Invitae), Labcorp
Classification: Uncertain significance for Charcot-Marie-Tooth disease type 2. Last evaluated: 2024-08-24. Review status: criteria provided, single submitter. Criteria: Invitae Variant Classification Sherloc (09022015). Collection method: clinical testing. Allele origin: germline.
Comment: This sequence change replaces glycine, which is neutral and non-polar, with valine, which is neutral and non-polar, at codon 634 of the LMNA protein (p.Gly634Val). This variant is not present in population databases (gnomAD no frequency). This variant has not been reported in the literature in individuals affected with LMNA-related conditions. ClinVar contains an entry for this variant (Variation ID: 594906). Invitae Evidence Modeling of protein sequence and biophysical properties (such as structural, functional, and spatial information, amino acid conservation, physicochemical variation, residue mobility, and thermodynamic stability) indicates that this missense variant is expected to disrupt LMNA protein function with a positive predictive value of 80%. In summary, the available evidence is currently insufficient to determine the role of this variant in disease. Therefore, it has been classified as a Variant of Uncertain Significance.

All of Us Research Program, National Institutes of Health
Classification: Uncertain significance for Primary dilated cardiomyopathy. Last evaluated: 2024-03-05. Review status: criteria provided, single submitter. Criteria: ACMG Guidelines, 2015. Collection method: clinical testing. Allele origin: germline. Inheritance: Autosomal dominant inheritance. Observed: 1 variant allele, 1 heterozygote.
Comment: This study involves interpretation of variants in research participants for the purpose of population health screening. Participant phenotype was not available at the time of variant classification. Additional details can be found in publication PMID: 35346344, PMCID: PMC8962531

Eurofins Ntd Llc (ga)
Classification: Uncertain significance. Last evaluated: 2017-11-10. Review status: criteria provided, single submitter. Criteria: EGL Classification Definitions 2015. Collection method: clinical testing. Allele origin: germline. Observed: 1 variant allele, 1 heterozygote.